The following is an entry in ClinVar:

ClinVar aggregate classification (germline): Uncertain significance. Review status: criteria provided, multiple submitters, no conflicts (2 of 4 stars). 2 submissions from 2 submitters: Uncertain significance (2). Last evaluated 2025-01-07.

Conditions:
Inborn genetic diseases. Identifiers: MedGen C0950123, MeSH D030342.

Allele frequency attached by ClinVar (database versions not stated): ExAC 0.00001; gnomAD 0.00001.
gnomAD v4.1: 13 of 1,604,622 alleles (0.00081%); highest among the groups gnomAD compares: Admixed American, 0.0018%; no homozygotes.

Submissions (2):

Ambry Genetics
Classification: Uncertain significance for Inborn genetic diseases. Last evaluated: 2025-01-07. Review status: criteria provided, single submitter. Criteria: Ambry Variant Classification Scheme 2023. Collection method: clinical testing. Allele origin: germline.
Comment: The p.N423S variant (also known as c.1268A>G), located in coding exon 11 of the KDM1A gene, results from an A to G substitution at nucleotide position 1268. The asparagine at codon 423 is replaced by serine, an amino acid with highly similar properties. This amino acid position is conserved. In addition, this alteration is predicted to be tolerated by in silico analysis. Based on the available evidence, the clinical significance of this variant remains unclear.

Labcorp Genetics (formerly Invitae), Labcorp
Classification: Uncertain significance. Last evaluated: 2023-05-11. Review status: criteria provided, single submitter. Criteria: Invitae Variant Classification Sherloc (09022015). Collection method: clinical testing. Allele origin: germline.
Comment: This sequence change replaces asparagine, which is neutral and polar, with serine, which is neutral and polar, at codon 423 of the KDM1A protein (p.Asn423Ser). The frequency data for this variant in the population databases is considered unreliable, as metrics indicate poor data quality at this position in the gnomAD database. This variant has not been reported in the literature in individuals affected with KDM1A-related conditions. Advanced modeling of protein sequence and biophysical properties (such as structural, functional, and spatial information, amino acid conservation, physicochemical variation, residue mobility, and thermodynamic stability) performed at Invitae indicates that this missense variant is not expected to disrupt KDM1A protein function. In summary, the available evidence is currently insufficient to determine the role of this variant in disease. Therefore, it has been classified as a Variant of Uncertain Significance.

NM_001009999.3(KDM1A):c.1268A>G (p.Asn423Ser)

Gene: KDM1A (lysine demethylase 1A; plus strand). Cytogenetic location: 1p36.12.
Variant type: single nucleotide variant.
Coding change: c.1268A>G on transcript NM_001009999.3 (MANE Select); coding-DNA position 1268, A replaced by G.
Protein change: p.Asn423Ser; replaces asparagine 423 with serine.
Molecular consequence: missense variant.
Genome position (GRCh38, 1-based): chr1:23,068,627, A>G. VCF-style: chr1-23068627-A-G. GRCh37 (hg19) VCF-style: chr1-23395120-A-G.
Other names: c.1268A>G (NM_001009999.2); c.1196A>G, p.Asn399Ser (NM_001363654.2, NM_001410763.1, NM_015013.4); c.1256A>G, p.Asn419Ser (NM_001410762.1); short protein forms N399S, N423S, N419S.
Identifiers: ClinVar variation 2809251 (VCV002809251.4), dbSNP rs747793005, ClinGen allele CA679700.